The following is an entry in ClinVar:

ClinVar aggregate classification (germline): Conflicting classifications of pathogenicity. Review status: criteria provided, conflicting classifications (1 of 4 stars). 4 submissions from 4 submitters: Uncertain significance (1); Benign (1); Likely benign (2). Last evaluated 2025-11-19.

Conditions:
Wolfram syndrome 1 (WFS1). Identifiers: Orphanet 3463, MedGen C4551693, MONDO:0009101, OMIM 222300.

Allele frequency attached by ClinVar (database versions not stated): TOPMed 0.00002; gnomAD 0.00004; ESP Exome Variant Server 0.00015.
gnomAD v4.1: 51 of 1,614,050 alleles (0.0032%); highest among the groups gnomAD compares: South Asian, 0.0066%; no homozygotes.

Submissions (4):

Labcorp Genetics (formerly Invitae), Labcorp
Classification: Likely benign. Last evaluated: 2025-11-19. Review status: criteria provided, single submitter. Criteria: Invitae Variant Classification Sherloc (09022015). Collection method: clinical testing. Allele origin: germline.

Eurofins Ntd Llc (ga)
Classification: Uncertain significance. Last evaluated: 2017-08-14. Review status: criteria provided, single submitter. Criteria: EGL Classification Definitions 2015. Collection method: clinical testing. Allele origin: germline. Observed: 1 variant allele, 1 heterozygote.

GeneDx
Classification: Likely benign. Last evaluated: 2014-04-04. Review status: criteria provided, single submitter. Criteria: GeneDx Variant Classification (06012015). Collection method: clinical testing. Allele origin: germline. Affected: yes.
Comment: This variant is considered likely benign or benign based on one or more of the following criteria: it is a conservative change, it occurs at a poorly conserved position in the protein, it is predicted to be benign by multiple in silico algorithms, and/or has population frequency not consistent with disease.

Clinical Genomics, Uppaluri K&H Personalized Medicine Clinic
Classification: Benign for Wolfram syndrome 1. Review status: criteria provided, single submitter. Criteria: K & H Uppaluri Personalized Medicine Clinic Variant Classification & Assertion Criteria_Updated V.1. Collection method: research. Allele origin: unknown. Inheritance: Autosomal recessive inheritance.
Comment: Potent mutations in WFS1 gene are associated with Wolfram's syndrome, an autosomal recessive condition, which cause diabetes mellitus, diabetes insipidus, deafness and optic atrophy. However no sufficient evidence is found to ascertain the role of this particular variant rs147838635 in Wolfram's syndrome yet.

Literature cited by the submitters: PubMed 20738327 (cited by Clinical Genomics, Uppaluri K&H Personalized Medicine Clinic); PubMed 33879153 (cited by Clinical Genomics, Uppaluri K&H Personalized Medicine Clinic); PubMed 12955714 (cited by Clinical Genomics, Uppaluri K&H Personalized Medicine Clinic); PubMed 18060660 (cited by Clinical Genomics, Uppaluri K&H Personalized Medicine Clinic); PubMed 20301750 (cited by Clinical Genomics, Uppaluri K&H Personalized Medicine Clinic); PubMed 17603484 (cited by Clinical Genomics, Uppaluri K&H Personalized Medicine Clinic).

NM_006005.3(WFS1):c.1801G>A (p.Val601Met)

Gene: WFS1 (wolframin ER transmembrane glycoprotein; plus strand). Cytogenetic location: 4p16.1.
Variant type: single nucleotide variant.
Coding change: c.1801G>A on transcript NM_006005.3 (MANE Select); coding-DNA position 1801, G replaced by A.
Protein change: p.Val601Met; replaces valine 601 with methionine.
Molecular consequence: missense variant.
Genome position (GRCh38, 1-based): chr4:6,301,596, G>A. VCF-style: chr4-6301596-G-A. GRCh37 (hg19) VCF-style: chr4-6303323-G-A.
Other names: c.1801G>A, p.Val601Met (NM_001145853.1); short protein forms V601M.
Identifiers: ClinVar variation 215363 (VCV000215363.15), dbSNP rs147838635, ClinGen allele CA323280.